The following is an entry in ClinVar:

ClinVar aggregate classification (germline): Likely benign. Review status: criteria provided, multiple submitters, no conflicts (2 of 4 stars). 3 submissions from 3 submitters: Likely benign (3). Last evaluated 2025-12-16.

Conditions:
Inborn genetic diseases. Identifiers: MedGen C0950123, MeSH D030342.

Allele frequency attached by ClinVar (database versions not stated): gnomAD exomes 0.00002; ExAC 0.00004; gnomAD 0.00005; TOPMed 0.00005; ESP Exome Variant Server 0.00008; 1000 Genomes Project 30x 0.00016; 1000 Genomes Project 0.00020.
gnomAD v4.1: 47 of 1,614,046 alleles (0.0029%); highest among the groups gnomAD compares: Middle Eastern, 0.033%; no homozygotes.

Submissions (3):

Labcorp Genetics (formerly Invitae), Labcorp
Classification: Likely benign. Last evaluated: 2025-12-16. Review status: criteria provided, single submitter. Criteria: Invitae Variant Classification Sherloc (09022015). Collection method: clinical testing. Allele origin: germline.

Ambry Genetics
Classification: Likely benign for Inborn genetic diseases. Last evaluated: 2024-01-22. Review status: criteria provided, single submitter. Criteria: Ambry Variant Classification Scheme 2023. Collection method: clinical testing. Allele origin: germline.

CeGaT Center for Human Genetics Tuebingen
Classification: Likely benign. Last evaluated: 2022-10-01. Review status: criteria provided, single submitter. Criteria: CeGaT Center For Human Genetics Tuebingen Variant Classification Criteria Version 2. Collection method: clinical testing. Allele origin: germline. Affected: yes. Observed: 1 variant allele.
Comment: HIVEP2: BP4

NM_006734.4(HIVEP2):c.6901T>C (p.Ser2301Pro)

Gene: HIVEP2 (HIVEP zinc finger 2; minus strand). Cytogenetic location: 6q24.2.
Variant type: single nucleotide variant.
Coding change: c.6901T>C on transcript NM_006734.4 (MANE Select); coding-DNA position 6901, T replaced by C.
Protein change: p.Ser2301Pro; replaces serine 2301 with proline.
Molecular consequence: missense variant.
Genome position (GRCh38, 1-based): chr6:142,753,547, A>G on the plus strand (T>C on the coding strand, the complement: HIVEP2 is on the minus strand). VCF-style: chr6-142753547-A-G. GRCh37 (hg19) VCF-style: chr6-143074684-A-G.
Other names: c.6901T>C (NM_006734.3); short protein forms S2301P.
Identifiers: ClinVar variation 2157454 (VCV002157454.29), dbSNP rs138666850, ClinGen allele CA4027609.